The following is an entry in ClinVar:

NM_003119.4(SPG7):c.1324+3845T>C

Gene: SPG7 (SPG7 matrix AAA peptidase subunit, paraplegin; plus strand). Cytogenetic location: 16q24.3.
Variant type: single nucleotide variant.
Coding change: c.1324+3845T>C on transcript NM_003119.4 (MANE Select); 3845 bases into the intron after coding-DNA position 1324, T replaced by C.
Molecular consequence: intron variant.
Genome position (GRCh38, 1-based): chr16:89,536,481, T>C. VCF-style: chr16-89536481-T-C. GRCh37 (hg19) VCF-style: chr16-89602889-T-C.
Other names: c.1324+3845T>C (NM_001363850.1); c.1325-284T>C (NM_199367.3).
Identifiers: ClinVar variation 684092 (VCV000684092.1), dbSNP rs983550161, ClinGen allele CA286548562.

ClinVar aggregate classification (germline): Likely benign (1 of 4 stars; one submission).

Allele frequency attached by ClinVar (database versions not stated): gnomAD 0.01157 and 0.01270.
gnomAD v4.1: 540 of 42,800 alleles (1.3%); highest among the groups gnomAD compares: South Asian, 2.8%; 70 homozygotes.

Submission:

GeneDx
Classification: Likely benign. Last evaluated: 2018-06-14. Review status: criteria provided, single submitter. Criteria: GeneDx Variant Classification (06012015). Collection method: clinical testing. Allele origin: germline. Affected: yes.
Comment: This variant is considered likely benign or benign based on one or more of the following criteria: it is a conservative change, it occurs at a poorly conserved position in the protein, it is predicted to be benign by multiple in silico algorithms, and/or has population frequency not consistent with disease.